The following is an entry in ClinVar:

ClinVar aggregate classification (germline): Uncertain significance (1 of 4 stars; one submission).

Conditions:
Schuurs-Hoeijmakers syndrome. Also called: PACS1-Related Neurodevelopmental Disorder. Identifiers: Orphanet 329224, MedGen C3554343, MONDO:0014006, OMIM 615009.

Allele frequency attached by ClinVar (database versions not stated): TOPMed 0.00001; gnomAD 0.00002.
gnomAD v4.1: 4 of 1,604,508 alleles (0.00025%); highest among the groups gnomAD compares: African/African-American, 0.0027%; no homozygotes.

Submission:

Labcorp Genetics (formerly Invitae), Labcorp
Classification: Uncertain significance for Schuurs-Hoeijmakers syndrome. Last evaluated: 2025-07-23. Review status: criteria provided, single submitter. Criteria: Invitae Variant Classification Sherloc (09022015). Collection method: clinical testing. Allele origin: germline.
Comment: This sequence change replaces arginine, which is basic and polar, with cysteine, which is neutral and slightly polar, at codon 612 of the PACS1 protein (p.Arg612Cys). This variant is not present in population databases (gnomAD no frequency). This variant has not been reported in the literature in individuals affected with PACS1-related conditions. ClinVar contains an entry for this variant (Variation ID: 2056406). Invitae Evidence Modeling of protein sequence and biophysical properties (such as structural, functional, and spatial information, amino acid conservation, physicochemical variation, residue mobility, and thermodynamic stability) indicates that this missense variant is expected to disrupt PACS1 protein function with a positive predictive value of 80%. In summary, the available evidence is currently insufficient to determine the role of this variant in disease. Therefore, it has been classified as a Variant of Uncertain Significance.

NM_018026.4(PACS1):c.1834C>T (p.Arg612Cys)

Gene: PACS1 (phosphofurin acidic cluster sorting protein 1; plus strand). Cytogenetic location: 11q13.2.
Variant type: single nucleotide variant.
Coding change: c.1834C>T on transcript NM_018026.4 (MANE Select); coding-DNA position 1834, C replaced by T.
Protein change: p.Arg612Cys; replaces arginine 612 with cysteine.
Molecular consequence: missense variant.
Genome position (GRCh38, 1-based): chr11:66,233,062, C>T. VCF-style: chr11-66233062-C-T. GRCh37 (hg19) VCF-style: chr11-66000533-C-T.
Other names: short protein forms R612C.
Identifiers: ClinVar variation 2056406 (VCV002056406.4), dbSNP rs1038333975, ClinGen allele CA224037065.